The following is an entry in ClinVar:

ClinVar aggregate classification (germline): Pathogenic (1 of 4 stars; one submission).

Conditions:
Carnitine palmitoyltransferase II deficiency. Also called: Carnitine Palmitoyltransferase 2 Deficiency. Identifiers: Orphanet 157, MedGen C0342790, MONDO:0015515.

Submission:

Labcorp Genetics (formerly Invitae), Labcorp
Classification: Pathogenic for Carnitine palmitoyltransferase II deficiency. Last evaluated: 2023-10-04. Review status: criteria provided, single submitter. Criteria: Invitae Variant Classification Sherloc (09022015). Collection method: clinical testing. Allele origin: germline.
Comment: This sequence change creates a premature translational stop signal (p.Ser22Argfs*58) in the CPT2 gene. It is expected to result in an absent or disrupted protein product. Loss-of-function variants in CPT2 are known to be pathogenic (PMID: 16781677, 16996287). This variant is not present in population databases (gnomAD no frequency). This variant has not been reported in the literature in individuals affected with CPT2-related conditions. For these reasons, this variant has been classified as Pathogenic.

Literature cited by the submitters: PubMed 16781677; PubMed 16996287.

NM_000098.3(CPT2):c.43_62dup (p.Ser22fs)

Genes: CPT2 (carnitine palmitoyltransferase 2; plus strand), LOC129930561 (ATAC-STARR-seq lymphoblastoid silent region 902; plus strand). Cytogenetic location: 1p32.3.
Variant type: Duplication.
Coding change: c.43_62dup on transcript NM_000098.3 (MANE Select); coding-DNA positions 43 to 62, 20 bases duplicated (GCGGTTGGTCCGGGAGCCCC).
Protein change: p.Ser22fs; shifts the reading frame from serine 22.
Molecular consequence: frameshift variant.
Genome position (GRCh38, 1-based): chr1:53,196,986-53,197,005, GCGGTTGGTCCGGGAGCCCC duplicated; duplicating any 20 consecutive bases within chr1:53,196,981-53,197,005 gives the same sequence; the c. name uses the placement nearest the transcript's 3' end. VCF-style (leftmost placement, unchanged base first): chr1-53196980-G-GGCCCCGCGGTTGGTCCGGGA. GRCh37 (hg19) VCF-style: chr1-53662652-G-GGCCCCGCGGTTGGTCCGGGA.
Other names: c.43_62dup, p.Ser22fs (NM_001330589.2); short protein forms S22fs.
Identifiers: ClinVar variation 2765060 (VCV002765060.3), dbSNP rs2525558003, ClinGen allele CA2697552428.